The following is an entry in ClinVar:

NM_001282531.3(ADNP):c.2721C>G (p.Asn907Lys)

Gene: ADNP (activity dependent neuroprotector homeobox; minus strand). Cytogenetic location: 20q13.13.
Variant type: single nucleotide variant.
Coding change: c.2721C>G on transcript NM_001282531.3 (MANE Select); coding-DNA position 2721, C replaced by G.
Protein change: p.Asn907Lys; replaces asparagine 907 with lysine.
Molecular consequence: missense variant.
Genome position (GRCh38, 1-based): chr20:50,891,993, G>C on the plus strand (C>G on the coding strand, the complement: ADNP is on the minus strand). VCF-style: chr20-50891993-G-C. GRCh37 (hg19) VCF-style: chr20-49508530-G-C.
Other names: c.2721C>G, p.Asn907Lys (NM_015339.5, NM_181442.4, NM_001282532.2 and 1 more transcripts); c.2937C>G, p.Asn979Lys (NM_001439000.1); c.2037C>G, p.Asn679Lys (NM_001439001.1); short protein forms N679K, N907K, N979K.
Identifiers: ClinVar variation 4718262 (VCV004718262.1).

ClinVar aggregate classification (germline): Uncertain significance (1 of 4 stars; one submission).

Submission:

Labcorp Genetics (formerly Invitae), Labcorp
Classification: Uncertain significance. Last evaluated: 2025-04-23. Review status: criteria provided, single submitter. Criteria: Invitae Variant Classification Sherloc (09022015). Collection method: clinical testing. Allele origin: germline.
Comment: This sequence change replaces asparagine, which is neutral and polar, with lysine, which is basic and polar, at codon 907 of the ADNP protein (p.Asn907Lys). This variant is not present in population databases (gnomAD no frequency). This variant has not been reported in the literature in individuals affected with ADNP-related conditions. An algorithm developed to predict the effect of missense changes on protein structure and function (PolyPhen-2) suggests that this variant is likely to be tolerated. In summary, the available evidence is currently insufficient to determine the role of this variant in disease. Therefore, it has been classified as a Variant of Uncertain Significance.